The following is an entry in ClinVar:

NM_000059.4(BRCA2):c.7017G>C (p.Lys2339Asn)

Gene: BRCA2 (BRCA2 DNA repair associated; plus strand). Cytogenetic location: 13q13.1.
Variant type: single nucleotide variant.
Coding change: c.7017G>C on transcript NM_000059.4 (MANE Select); coding-DNA position 7017, G replaced by C.
Protein change: p.Lys2339Asn; replaces lysine 2339 with asparagine.
Molecular consequence: missense variant.
Genome position (GRCh38, 1-based): chr13:32,354,870, G>C. VCF-style: chr13-32354870-G-C. GRCh37 (hg19) VCF-style: chr13-32929007-G-C.
Other names: 7245 G>C; NP_000050.3:p.Lys2339Asn; short protein forms K2339N.
Identifiers: ClinVar variation 52249 (VCV000052249.119), dbSNP rs45574331, ClinGen allele CA024755.
Genomic context (GRCh38, chr13:32,354,870, plus strand): 5'-TATTTATATGTGTACTAGTCAATAAACTTATATATTTTCTCCCCATTGCAGCACAACTAA[G>C]GAACGTCAAGAGATACAGAATCCAAATTTTACCGCACCTGGTCAAGAATTTCTGTCTAAA-3'
Protein context (NP_000050.3, residues 2329-2349): PITCVPFRTT[Lys2339Asn]ERQEIQNPNF

ClinVar aggregate classification (germline): Benign. Review status: reviewed by expert panel (3 of 4 stars). 39 submissions from 37 submitters: Benign (1). 38 of the submissions do not count toward it. Last evaluated 2015-01-12.

Conditions:
BRCA2-related cancer predisposition. Identifiers: MedGen CN377758, MONDO:0700269.
Hereditary cancer-predisposing syndrome. Also called: Neoplastic Syndromes, Hereditary; Tumor predisposition; Hereditary Cancer Syndrome; Hereditary neoplastic syndrome. Identifiers: Orphanet 140162, MedGen C0027672, MeSH D009386, MONDO:0015356.
Glioma susceptibility 3 (GLM3). Also called: Glioblastoma 3. Identifiers: Orphanet 182067, Orphanet 360, MedGen C2751641, MONDO:0013093, OMIM 613029.
Wilms tumor 1 (WT1). Also called: Wilms tumor, somatic. Identifiers: Orphanet 654, MedGen CN033288, MONDO:0008679, OMIM 194070.
Familial cancer of breast. Also called: Hereditary breast cancer; BREAST CANCER, FAMILIAL; hereditary breast carcinoma. Identifiers: Orphanet 227535, MedGen C0346153, MONDO:0016419, OMIM 114480. Disease mechanism: loss of function.
Prostate cancer. Also called: Malignant tumor of prostate. Identifiers: Orphanet 1331, MedGen C0376358, MONDO:0008315, HP:0012125.
Breast-ovarian cancer, familial, susceptibility to, 2 (BROVCA2). Also called: BRCA2 Hereditary Breast and Ovarian Cancer. Identifiers: Orphanet 145, MedGen C2675520, MONDO:0012933, OMIM 612555. Disease mechanism: loss of function.
Fanconi anemia complementation group D1. Also called: BRCA2-Related Fanconi Anemia. Identifiers: Orphanet 319462, MedGen C1838457, MONDO:0011584, OMIM 605724.
Medulloblastoma (MDB). Also called: Medulloblastoma, somatic; MEDULLOBLASTOMA PREDISPOSITION SYNDROME. Identifiers: Orphanet 616, MedGen C0025149, MeSH D008527, MONDO:0007959, OMIM 155255, HP:0002885.
Pancreatic cancer, susceptibility to, 2. Identifiers: Orphanet 1333, MedGen C3150546, MONDO:0013235, OMIM 613347.
Breast and/or ovarian cancer. Identifiers: MedGen CN221562.
Hereditary breast ovarian cancer syndrome. Also called: Hereditary breast and/or ovarian cancer syndrome; Hereditary breast and ovarian cancer syndrome; Hereditary breast and ovarian cancer; Hereditary breast and ovarian cancer syndrome (HBOC); Breast and ovarian cancer; BRCA1- and BRCA2-Associated Hereditary Breast and Ovarian Cancer. Identifiers: Orphanet 145, MedGen C0677776, MeSH D061325, MONDO:0003582. Disease mechanism: loss of function.
Malignant tumor of breast. Also called: Malignant breast neoplasm; Cancer breast. Identifiers: MedGen C0006142, MONDO:0007254. Disease mechanism: loss of function.

Allele frequency attached by ClinVar (database versions not stated): gnomAD 0.00724 and 0.00792; 1000 Genomes Project 30x 0.00734; TOPMed 0.00804; ESP Exome Variant Server 0.00808; gnomAD exomes 0.00067 and 0.00177; ExAC 0.00228; 1000 Genomes Project 0.00679.
gnomAD v4.1: 2,105 of 1,583,632 alleles (0.13%); highest among the groups gnomAD compares: African/African-American, 2.5%; 24 homozygotes.

Submissions 1 to 17 of 39:

Evidence-based Network for the Interpretation of Germline Mutant Alleles (ENIGMA)
Classification: Benign for Breast-ovarian cancer, familial 2. Last evaluated: 2015-01-12. Review status: reviewed by expert panel. Criteria: ENIGMA BRCA1/2 Classification Criteria (2015). Collection method: curation. Allele origin: germline.
Comment: Class 1 not pathogenic based on frequency >1% in an outbred sampleset. Frequency 0.02642 (African), derived from 1000 genomes (2012-04-30).

CeGaT Center for Human Genetics Tuebingen
Classification: Benign. Last evaluated: 2026-08-01. Review status: criteria provided, single submitter. Criteria: CeGaT Center For Human Genetics Tuebingen Variant Classification Criteria Version 2. Collection method: clinical testing. Allele origin: germline. Affected: yes. Observed: 8 variant alleles. Not counted in ClinVar's aggregate classification.
Comment: BRCA2: BP4, BS1, BS2

Labcorp Genetics (formerly Invitae), Labcorp
Classification: Benign for Hereditary breast ovarian cancer syndrome. Last evaluated: 2026-02-04. Review status: criteria provided, single submitter. Criteria: Invitae Variant Classification Sherloc (09022015). Collection method: clinical testing. Allele origin: germline. Not counted in ClinVar's aggregate classification.

ARUP Laboratories, Molecular Genetics and Genomics, ARUP Laboratories
Classification: Benign. Last evaluated: 2025-04-01. Review status: criteria provided, single submitter. Criteria: ARUP Molecular Germline Variant Investigation Process 2024. Collection method: clinical testing. Allele origin: germline. Not counted in ClinVar's aggregate classification.

Center for Genomic Medicine, Rigshospitalet, Copenhagen University Hospital
Classification: Benign. Last evaluated: 2025-03-04. Review status: criteria provided, single submitter. Criteria: ACMG Guidelines, 2015. Collection method: clinical testing. Allele origin: germline. Not counted in ClinVar's aggregate classification.

KCCC/NGS Laboratory, Kuwait Cancer Control Center
Classification: Benign for Familial cancer of breast. Last evaluated: 2025-02-01. Review status: criteria provided, single submitter. Criteria: ACMG Guidelines, 2015. Collection method: clinical testing. Allele origin: germline. Affected: no. Not counted in ClinVar's aggregate classification.

Blueprint Genetics
Classification: Likely benign. Last evaluated: 2024-11-25. Review status: criteria provided, single submitter. Criteria: ACMG Guidelines, 2015. Collection method: clinical testing. Allele origin: germline. Not counted in ClinVar's aggregate classification.

All of Us Research Program, National Institutes of Health
Classification: Benign for BRCA2-related cancer predisposition. Last evaluated: 2024-09-27. Review status: criteria provided, single submitter. Criteria: ACMG Guidelines, 2015. Collection method: clinical testing. Allele origin: germline. Inheritance: Autosomal dominant inheritance. Observed: 591 variant alleles, 584 heterozygotes, 6 homozygotes, 1 hemizygote. Not counted in ClinVar's aggregate classification.
Comment: This study involves interpretation of variants in research participants for the purpose of population health screening. Participant phenotype was not available at the time of variant classification. Additional details can be found in publication PMID: 35346344, PMCID: PMC8962531

KCCC/NGS Laboratory, Kuwait Cancer Control Center
Classification: Benign for Breast-ovarian cancer, familial, susceptibility to, 2. Last evaluated: 2023-07-07. Review status: criteria provided, single submitter. Criteria: ACMG Guidelines, 2015. Collection method: clinical testing. Allele origin: germline. Affected: yes. Not counted in ClinVar's aggregate classification.

National Health Laboratory Service, Universitas Academic Hospital and University of the Free State
Classification: Benign for Hereditary breast ovarian cancer syndrome. Last evaluated: 2022-04-19. Review status: criteria provided, single submitter. Criteria: ACMG Guidelines, 2015. Collection method: clinical testing. Allele origin: germline. Affected: yes. Observed: 44 variant alleles. Not counted in ClinVar's aggregate classification.

Fulgent Genetics
Classification: Benign for Familial cancer of breast; Medulloblastoma; Familial prostate cancer; Wilms tumor 1; Fanconi anemia complementation group D1; Breast-ovarian cancer, familial, susceptibility to, 2; Glioma susceptibility 3; Pancreatic cancer, susceptibility to, 2. Last evaluated: 2022-04-13. Review status: criteria provided, single submitter. Criteria: ACMG Guidelines, 2015. Collection method: clinical testing. Allele origin: unknown. Not counted in ClinVar's aggregate classification.

Genetics Program, Instituto Nacional de Cancer
Classification: Benign for Hereditary breast ovarian cancer syndrome. Last evaluated: 2021-11-01. Review status: criteria provided, single submitter. Criteria: ACMG Guidelines, 2015. Collection method: research. Allele origin: germline. Affected: yes. Not counted in ClinVar's aggregate classification.

Sema4
Classification: Benign for Hereditary cancer-predisposing syndrome. Last evaluated: 2020-06-25. Review status: criteria provided, single submitter. Criteria: Sema4 Curation Guidelines. Collection method: curation. Allele origin: germline. Not counted in ClinVar's aggregate classification.

Illumina Laboratory Services, Illumina
Classification: Likely benign for Fanconi anemia complementation group D1. Last evaluated: 2018-01-19. Review status: criteria provided, single submitter. Criteria: ICSL Variant Classification Criteria 13 December 2019. Collection method: clinical testing. Allele origin: germline. Not counted in ClinVar's aggregate classification.
Comment: This variant was observed as part of a predisposition screen in an ostensibly healthy population. A literature search was performed for the gene, cDNA change, and amino acid change (where applicable). No publications were found based on this search. Allele frequency data from public databases allowed determination this variant is unlikely to cause disease. Therefore, this variant is classified as likely benign.

Illumina Laboratory Services, Illumina
Classification: Likely benign for Breast-ovarian cancer, familial, susceptibility to, 2. Last evaluated: 2018-01-19. Review status: criteria provided, single submitter. Criteria: ICSL Variant Classification Criteria 13 December 2019. Collection method: clinical testing. Allele origin: germline. Not counted in ClinVar's aggregate classification.
Comment: This variant was observed as part of a predisposition screen in an ostensibly healthy population. A literature search was performed for the gene, cDNA change, and amino acid change (where applicable). Publications were found based on this search. The evidence from the literature, in combination with allele frequency data from public databases where available, was sufficient to determine this variant is unlikely to cause disease. Therefore, this variant is classified as likely benign.

Institute for Biomarker Research, Medical Diagnostic Laboratories, L.L.C.
Classification: Likely benign for Hereditary cancer-predisposing syndrome. Last evaluated: 2018-01-16. Review status: criteria provided, single submitter. Criteria: ACMG Guidelines, 2015. Collection method: clinical testing. Allele origin: germline. Not counted in ClinVar's aggregate classification.

Center for Pediatric Genomic Medicine, Children's Mercy Hospital and Clinics
Classification: Benign. Last evaluated: 2017-05-30. Review status: criteria provided, single submitter. Criteria: ACMG Guidelines, 2015. Collection method: clinical testing. Allele origin: germline. Not counted in ClinVar's aggregate classification.